The following is an entry in ClinVar:

ClinVar aggregate classification (germline): Conflicting classifications of pathogenicity. Review status: criteria provided, conflicting classifications (1 of 4 stars). 6 submissions from 6 submitters: Uncertain significance (3); Likely benign (3). Last evaluated 2025-05-21.

Conditions:
Breast-ovarian cancer, familial, susceptibility to, 4. Identifiers: Orphanet 145, MedGen C3280345, MONDO:0013669, OMIM 614291.
RAD51D-related cancer predisposition. Identifiers: MedGen CN377763, MONDO:0700274.
Hereditary cancer-predisposing syndrome. Also called: Hereditary Cancer Syndrome; Neoplastic Syndromes, Hereditary; Tumor predisposition; Hereditary neoplastic syndrome. Identifiers: Orphanet 140162, MedGen C0027672, MeSH D009386, MONDO:0015356.

Allele frequency attached by ClinVar (database versions not stated): gnomAD exomes 0.00001 and 0.00002; TOPMed 0.00001; ExAC 0.00003.
gnomAD v4.1: 13 of 1,607,484 alleles (0.00081%); highest among the groups gnomAD compares: South Asian, 0.011%; no homozygotes.

Submissions (6):

Labcorp Genetics (formerly Invitae), Labcorp
Classification: Likely benign for Breast-ovarian cancer, familial, susceptibility to, 4. Last evaluated: 2025-05-21. Review status: criteria provided, single submitter. Criteria: Invitae Variant Classification Sherloc (09022015). Collection method: clinical testing. Allele origin: germline.

Ambry Genetics
Classification: Uncertain significance for Hereditary cancer-predisposing syndrome. Last evaluated: 2025-02-24. Review status: criteria provided, single submitter. Criteria: Ambry Variant Classification Scheme 2023. Collection method: clinical testing. Allele origin: germline.
Comment: The c.738+3G>A intronic variant results from a G to A substitution 3 nucleotides after coding exon 8 in the RAD51D gene. This nucleotide position is not well conserved in available vertebrate species. In silico splice site analysis predicts that this alteration will not have any significant effect on splicing; however, direct evidence is insufficient at this time (Ambry internal data). Based on the available evidence, the clinical significance of this variant remains unclear.

Myriad Genetics, Inc.
Classification: Likely benign for Breast-ovarian cancer, familial, susceptibility to, 4. Last evaluated: 2025-02-24. Review status: criteria provided, single submitter. Criteria: Myriad Autosomal Dominant, Autosomal Recessive and X-Linked Classification Criteria (2023). Collection method: clinical testing. Allele origin: unknown.
Comment: This variant is considered likely benign. This variant is intronic and is not expected to impact mRNA splicing.

Department of Pathology and Laboratory Medicine, Sinai Health System
Classification: Uncertain significance for RAD51D-related cancer predisposition. Last evaluated: 2024-12-31. Review status: criteria provided, single submitter. Criteria: ACMG Guidelines, 2015. Collection method: clinical testing. Allele origin: germline.

Women's Health and Genetics/Laboratory Corporation of America, LabCorp
Classification: Uncertain significance. Last evaluated: 2017-12-04. Review status: criteria provided, single submitter. Criteria: LabCorp Variant Classification Summary - May 2015. Collection method: clinical testing. Allele origin: germline.
Comment: Variant summary: The RAD51D c.738+3G>A variant involves the alteration of a non-conserved intronic nucleotide. One in silico tool predicts a damaging outcome for this variant. 3/5 splice prediction tools predict no significant impact on normal splicing. However, these predictions have yet to be confirmed by functional studies. This variant was found in 4/235100 control chromosomes at a frequency of 0.000017, which does not exceed the estimated maximal expected allele frequency of a pathogenic RAD51D variant (0.000125). The variant of interest has not, to our knowledge, been reported in affected individuals via publications and/or reputable databases/clinical diagnostic laboratories, nor evaluated for functional impact by in vivo/vitro studies. Because of the absence of clinical information and the lack of functional studies, the variant is classified as a variant of uncertain significance (VUS) until additional information becomes available.

GeneDx
Classification: Likely benign. Last evaluated: 2017-11-27. Review status: criteria provided, single submitter. Criteria: GeneDx Variant Classification (06012015). Collection method: clinical testing. Allele origin: germline. Affected: yes.
Comment: This variant is considered likely benign or benign based on one or more of the following criteria: it is a conservative change, it occurs at a poorly conserved position in the protein, it is predicted to be benign by multiple in silico algorithms, and/or has population frequency not consistent with disease.

NM_002878.4(RAD51D):c.738+3G>A

Genes: RAD51L3-RFFL (RAD51L3-RFFL readthrough; minus strand), RAD51D (RAD51 paralog D; minus strand). Cytogenetic location: 17q12.
Variant type: single nucleotide variant.
Coding change: c.738+3G>A on transcript NM_002878.4 (MANE Select); 3 bases into the intron after coding-DNA position 738, G replaced by A.
Molecular consequence: intron variant.
Genome position (GRCh38, 1-based): chr17:35,103,251, C>T on the plus strand (G>A on the coding strand, the complement: RAD51D is on the minus strand). VCF-style: chr17-35103251-C-T. GRCh37 (hg19) VCF-style: chr17-33430270-C-T.
Other names: c.402+3G>A (NM_133629.3); c.798+3G>A (NM_001142571.2).
Identifiers: ClinVar variation 480529 (VCV000480529.16), dbSNP rs751062153, ClinGen allele CA8499372.
Genomic context (GRCh38, chr17:35,103,251, plus strand): 5'-AAGGGAAATAAAGAGCTCGCAATAACTAGAAATCAAGTTCATTGGCCAAGCCTGCTTCCT[C>T]ACCACCACTGCCATGCCAAGGTCCCGGGCCAGGGTCTTCAGCTCTCGGGCCAGCTGCATC-3'